The following is an entry in ClinVar:

ClinVar aggregate classification (germline): Uncertain significance. Review status: criteria provided, multiple submitters, no conflicts (2 of 4 stars). 3 submissions from 3 submitters: Uncertain significance (3). Last evaluated 2026-06-02.

Conditions:
KIF1A-related disorder. Also called: KIF1A-related disorders; KIF1A-related condition.
Inborn genetic diseases. Identifiers: MedGen C0950123, MeSH D030342.

Allele frequency attached by ClinVar (database versions not stated): gnomAD exomes 0.00002 and 0.00003; gnomAD 0.00005; TOPMed 0.00005; ExAC 0.00006.
gnomAD v4.1: 38 of 1,550,462 alleles (0.0025%); highest among the groups gnomAD compares: Non-Finnish European, 0.0031%; no homozygotes.

Submissions (3):

PreventionGenetics, part of Exact Sciences
Classification: Uncertain significance for KIF1A-related condition. Last evaluated: 2026-06-02. Review status: criteria provided, single submitter. Criteria: ACMG Guidelines, 2015. Collection method: clinical testing. Allele origin: germline.
Comment: The KIF1A c.2654C>T variant is predicted to result in the amino acid substitution p.Thr885Ile. To our knowledge, this variant has not been reported in the literature. This variant is reported in 0.0085% of alleles in individuals of European (Non-Finnish) descent in gnomAD. At this time, the clinical significance of this variant is uncertain due to the absence of conclusive functional and genetic evidence.

Ambry Genetics
Classification: Uncertain significance for Inborn genetic diseases. Last evaluated: 2023-05-22. Review status: criteria provided, single submitter. Criteria: Ambry Variant Classification Scheme 2023. Collection method: clinical testing. Allele origin: germline.

GeneDx
Classification: Uncertain significance. Last evaluated: 2019-04-25. Review status: criteria provided, single submitter. Criteria: GeneDx Variant Classification Process June 2021. Collection method: clinical testing. Allele origin: germline. Affected: yes.
Comment: In silico analysis, which includes protein predictors and evolutionary conservation, supports that this variant does not alter protein structure/function; Has not been previously published as pathogenic or benign to our knowledge

NM_001244008.2(KIF1A):c.2654C>T (p.Thr885Ile)

Gene: KIF1A (kinesin family member 1A; minus strand). Cytogenetic location: 2q37.3.
Variant type: single nucleotide variant.
Coding change: c.2654C>T on transcript NM_001244008.2 (MANE Select); coding-DNA position 2654, C replaced by T.
Protein change: p.Thr885Ile; replaces threonine 885 with isoleucine.
Molecular consequence: missense variant. On other transcripts: intron variant (18).
Genome position (GRCh38, 1-based): chr2:240,757,523, G>A on the plus strand (C>T on the coding strand, the complement: KIF1A is on the minus strand). VCF-style: chr2-240757523-G-A. GRCh37 (hg19) VCF-style: chr2-241696940-G-A.
Other names: c.2729C>T, p.Thr910Ile (NM_001379631.1); c.2603C>T, p.Thr868Ile (NM_001379632.1); c.2627C>T, p.Thr876Ile (NM_001379633.1, NM_001379642.1, NM_001379645.1); c.2555+837C>T (NM_001379653.1, NM_001379650.1, NM_001379640.1 and 6 more transcripts); c.2657+837C>T (NM_001379635.1, NM_001330290.2, NM_001379646.1 and 1 more transcripts); c.2630+837C>T (NM_001379637.1, NM_001379648.1); c.2582+837C>T (NM_001320705.2, NM_001379638.1, NM_001330289.2); short protein forms T868I, T876I, T885I, T910I.
Identifiers: ClinVar variation 1303317 (VCV001303317.5), dbSNP rs769876265, ClinGen allele CA2208049.
Genomic context (GRCh38, chr2:240,757,523, plus strand): 5'-CTCTGCTCCTCGGCAGGCTCGGTGGCGTCGGAGTCGGGGCTCGAGAAGGTGGGGGAGGGG[G>A]TGAGAGCAGCCATGCGCTCGCTCATGCATGTGTTGAGAAGAGGGTAGCTGTTGCAGCCAG-3'
Protein context (NP_001230937.1, residues 875-895): TCMSERMAAL[Thr885Ile]PSPTFSSPDS